The following is an entry in ClinVar:

NM_001846.4(COL4A2):c.2894G>A (p.Gly965Asp)

Gene: COL4A2 (collagen type IV alpha 2 chain; plus strand). Cytogenetic location: 13q34.
Variant type: single nucleotide variant.
Coding change: c.2894G>A on transcript NM_001846.4 (MANE Select); coding-DNA position 2894, G replaced by A.
Protein change: p.Gly965Asp; replaces glycine 965 with aspartic acid.
Molecular consequence: missense variant.
Genome position (GRCh38, 1-based): chr13:110,482,651, G>A. VCF-style: chr13-110482651-G-A. GRCh37 (hg19) VCF-style: chr13-111134998-G-A.
Other names: short protein forms G965D.
Identifiers: ClinVar variation 451863 (VCV000451863.2), dbSNP rs776550709, ClinGen allele CA7050021.
Genomic context (GRCh38, chr13:110,482,651, plus strand): 5'-GCAAAGGCGAGGCTGGATTTTTCGGAATACCCGGTCTGAAGGGTCTGGCTGGTGAGCCAG[G>A]TTTTAAAGGTATGTCCCTCTCTTAACATCCTCCTTACCTGGTCATGGTGGCATCCTCCTT-3'
Protein context (NP_001837.2, residues 955-975): PGLKGLAGEP[Gly965Asp]FKGSRGDPGP

ClinVar aggregate classification (germline): Likely pathogenic (1 of 4 stars; one submission).

Allele frequency attached by ClinVar (database versions not stated): ExAC 0.00001; gnomAD exomes below 0.00001.
gnomAD v4.1: 1 of 1,613,944 alleles (0.000062%); highest among the groups gnomAD compares: South Asian, 0.0011%; no homozygotes.

Submission:

GeneDx
Classification: Likely pathogenic. Last evaluated: 2017-09-14. Review status: criteria provided, single submitter. Criteria: GeneDx Variant Classification (06012015). Collection method: clinical testing. Allele origin: germline. Affected: yes.
Comment: he G965D variant in the COL4A2 gene has not been reported previously as a pathogenic variant, nor as a benign variant, to our knowledge. The G965D variant is not observed at a significant frequency in large population cohorts (Lek et al., 2016; 1000 Genomes Consortium et al., 2015; Exome Variant Server). The G965D variant is a non-conservative amino acid substitution, which is likely to impact secondary protein structure as these residues differ in polarity, charge, size and/or other properties. This substitution occurs at a position that is conserved across species and is within the triple-helical region. In silico analysis predicts this variant is probably damaging to the protein structure/function. We interpret G965D as a likely pathogenic variant.